The following is an entry in ClinVar:

ClinVar aggregate classification (germline): Benign. Review status: criteria provided, multiple submitters, no conflicts (2 of 4 stars). 2 submissions from 2 submitters: Benign (2). Last evaluated 2018-01-13.

Conditions:
Familial apolipoprotein C-II deficiency. Also called: HYPERLIPOPROTEINEMIA, TYPE IB; APOC2 DEFICIENCY; C-II ANAPOLIPOPROTEINEMIA. Identifiers: Orphanet 309020, Orphanet 444490, MedGen C1720779, MONDO:0008810, OMIM 207750.

Allele frequency attached by ClinVar (database versions not stated): TOPMed 0.61410; 1000 Genomes Project 30x 0.66365; gnomAD 0.59711 and 0.59500; 1000 Genomes Project 0.66573; gnomAD exomes 0.51835.

Submissions (2):

Illumina Laboratory Services, Illumina
Classification: Benign for Familial apolipoprotein C-II deficiency. Last evaluated: 2018-01-13. Review status: criteria provided, single submitter. Criteria: ICSL Variant Classification Criteria 13 December 2019. Collection method: clinical testing. Allele origin: germline.
Comment: This variant was observed in the ICSL laboratory as part of a predisposition screen in an ostensibly healthy population. It had not been previously curated by ICSL or reported in the Human Gene Mutation Database (HGMD: prior to June 1st, 2018), and was therefore a candidate for classification through an automated scoring system. Utilizing variant allele frequency, disease prevalence and penetrance estimates, and inheritance mode, an automated score was calculated to assess if this variant is too frequent to cause the disease. Based on the score and internal cut-off values, a variant classified as benign is not then subjected to further curation. The score for this variant resulted in a classification of benign for this disease.

Breakthrough Genomics
Classification: Benign. Review status: criteria provided, single submitter. Criteria: ACMG Guidelines, 2015. Collection method: not provided. Allele origin: germline. Inheritance: Autosomal recessive inheritance. Affected: yes.

NM_000483.4(APOC2):c.-62T>G

Genes: APOC4-APOC2 (APOC4-APOC2 readthrough (NMD candidate); plus strand), APOC2 (apolipoprotein C2; plus strand). Cytogenetic location: 19q13.32.
Variant type: single nucleotide variant.
Coding change: c.-62T>G on transcript NM_000483.4; 62 bases upstream of the start codon, T replaced by G.
Molecular consequence: non-coding transcript variant (on NR_037932.1).
Genome position (GRCh38, 1-based): chr19:44,946,027, T>G. VCF-style: chr19-44946027-T-G. GRCh37 (hg19) VCF-style: chr19-45449284-T-G.
Identifiers: ClinVar variation 329451 (VCV000329451.8), dbSNP rs2288911, ClinGen allele CA10652505.